The following is an entry in ClinVar:

NC_000016.10:g.67660468C>T

Gene: ACD (ACD shelterin complex subunit and telomerase recruitment factor; minus strand). Cytogenetic location: 16q22.1.
Variant type: single nucleotide variant.
Genome position: GRCh38 VCF-style: chr16-67660468-C-T. GRCh37 (hg19) VCF-style: chr16-67694371-C-T.
Identifiers: ClinVar variation 2045268 (VCV002045268.4), dbSNP rs2142977068, ClinGen allele CA396360297.

ClinVar aggregate classification (germline): Uncertain significance (1 of 4 stars; one submission).

Conditions:
Dyskeratosis congenita, autosomal dominant 6 (DKCA6). Identifiers: Orphanet 3322, MedGen C4225284, MONDO:0014690, OMIM 616553.

Submission:

Labcorp Genetics (formerly Invitae), Labcorp
Classification: Uncertain significance for Dyskeratosis congenita, autosomal dominant 6. Last evaluated: 2021-12-17. Review status: criteria provided, single submitter. Criteria: Invitae Variant Classification Sherloc (09022015). Collection method: clinical testing. Allele origin: germline.
Comment: In summary, the available evidence is currently insufficient to determine the role of this variant in disease. Therefore, it has been classified as a Variant of Uncertain Significance. Algorithms developed to predict the effect of missense changes on protein structure and function output the following: SIFT: "Tolerated"; PolyPhen-2: "Possibly Damaging"; Align-GVGD: "Class C0". The histidine amino acid residue is found in multiple mammalian species, which suggests that this missense change does not adversely affect protein function. This variant has not been reported in the literature in individuals affected with ACD-related conditions. This variant is not present in population databases (gnomAD no frequency). This sequence change replaces arginine, which is basic and polar, with histidine, which is basic and polar, at codon 4 of the ACD protein (p.Arg4His).